The following is an entry in ClinVar:

NM_000062.3(SERPING1):c.56G>T (p.Arg19Ile)

Gene: SERPING1 (serpin family G member 1; plus strand). Cytogenetic location: 11q12.1.
Variant type: single nucleotide variant.
Coding change: c.56G>T on transcript NM_000062.3 (MANE Select); coding-DNA position 56, G replaced by T.
Protein change: p.Arg19Ile; replaces arginine 19 with isoleucine.
Molecular consequence: missense variant.
Genome position (GRCh38, 1-based): chr11:57,599,883, G>T. VCF-style: chr11-57599883-G-T. GRCh37 (hg19) VCF-style: chr11-57367356-G-T.
Other names: c.56G>T, p.Arg19Ile (NM_001032295.2); short protein forms R19I.
Identifiers: ClinVar variation 4763204 (VCV004763204.1).

ClinVar aggregate classification (germline): Uncertain significance (1 of 4 stars; one submission).

gnomAD v4.1: 1 of 1,614,150 alleles (0.000062%); highest among the groups gnomAD compares: Admixed American, 0.0017%; no homozygotes.

Submission:

Labcorp Genetics (formerly Invitae), Labcorp
Classification: Uncertain significance. Last evaluated: 2025-11-25. Review status: criteria provided, single submitter. Criteria: Invitae Variant Classification Sherloc (09022015). Collection method: clinical testing. Allele origin: germline.
Comment: This sequence change replaces arginine, which is basic and polar, with isoleucine, which is neutral and non-polar, at codon 19 of the SERPING1 protein (p.Arg19Ile). This variant is present in population databases (rs765715943, gnomAD 0.003%). This variant has not been reported in the literature in individuals affected with SERPING1-related conditions. An algorithm developed to predict the effect of missense changes on protein structure and function (PolyPhen-2) suggests that this variant is likely to be tolerated. In summary, the available evidence is currently insufficient to determine the role of this variant in disease. Therefore, it has been classified as a Variant of Uncertain Significance.